The following is an entry in ClinVar:

ClinVar aggregate classification (germline): Uncertain significance. Review status: criteria provided, multiple submitters, no conflicts (2 of 4 stars). 2 submissions from 2 submitters: Uncertain significance (2). Last evaluated 2025-06-06.

Conditions:
Inborn genetic diseases. Identifiers: MedGen C0950123, MeSH D030342.

Allele frequency attached by ClinVar (database versions not stated): gnomAD exomes below 0.00001; TOPMed below 0.00001; ExAC 0.00001.
gnomAD v4.1: 1 of 1,614,204 alleles (0.000062%); highest among the groups gnomAD compares: Admixed American, 0.0017%; no homozygotes.

Submissions (2):

Ambry Genetics
Classification: Uncertain significance for Inborn genetic diseases. Last evaluated: 2025-06-06. Review status: criteria provided, single submitter. Criteria: Ambry Variant Classification Scheme 2023. Collection method: clinical testing. Allele origin: germline.

Labcorp Genetics (formerly Invitae), Labcorp
Classification: Uncertain significance. Last evaluated: 2022-05-21. Review status: criteria provided, single submitter. Criteria: Invitae Variant Classification Sherloc (09022015). Collection method: clinical testing. Allele origin: germline.
Comment: In summary, the available evidence is currently insufficient to determine the role of this variant in disease. Therefore, it has been classified as a Variant of Uncertain Significance. Algorithms developed to predict the effect of missense changes on protein structure and function are either unavailable or do not agree on the potential impact of this missense change (SIFT: "Tolerated"; PolyPhen-2: "Probably Damaging"; Align-GVGD: "Class C0"). This variant has not been reported in the literature in individuals affected with TCF20-related conditions. This variant is present in population databases (rs748163644, gnomAD 0.003%). This sequence change replaces asparagine, which is neutral and polar, with histidine, which is basic and polar, at codon 1850 of the TCF20 protein (p.Asn1850His).

NM_001378418.1(TCF20):c.5548A>C (p.Asn1850His)

Gene: TCF20 (transcription factor 20; minus strand). Cytogenetic location: 22q13.2.
Variant type: single nucleotide variant.
Coding change: c.5548A>C on transcript NM_001378418.1 (MANE Select); coding-DNA position 5548, A replaced by C.
Protein change: p.Asn1850His; replaces asparagine 1850 with histidine.
Molecular consequence: missense variant.
Genome position (GRCh38, 1-based): chr22:42,209,758, T>G on the plus strand (A>C on the coding strand, the complement: TCF20 is on the minus strand). VCF-style: chr22-42209758-T-G. GRCh37 (hg19) VCF-style: chr22-42605764-T-G.
Other names: c.5548A>C, p.Asn1850His (NM_005650.4, NM_181492.3); c.5548A>C (NM_005650.1); short protein forms N1850H.
Identifiers: ClinVar variation 2015156 (VCV002015156.5), dbSNP rs748163644, ClinGen allele CA10266453.